The following is an entry in ClinVar:

ClinVar aggregate classification (germline): Uncertain significance. Review status: criteria provided, multiple submitters, no conflicts (2 of 4 stars). 2 submissions from 2 submitters: Uncertain significance (2). Last evaluated 2024-10-29.

Conditions:
Inborn genetic diseases. Identifiers: MedGen C0950123, MeSH D030342.
Muscle AMP deaminase deficiency (MMDD). Also called: Myoadenylate deaminase deficiency, myopathy due to; Adenosine monophosphate deaminase 1 deficiency; AMP deaminase 1 deficiency; Adenosine Monophosphate Deaminase 1; ADENOSINE MONOPHOSPHATE DEAMINASE-1 DEFICIENCY, MYOPATHY DUE TO; AMPD1 DEFICIENCY. Identifiers: Orphanet 45, MedGen C3714933, MONDO:0014220, OMIM 615511.

gnomAD v4.1: 1 of 1,613,828 alleles (0.000062%); highest among the groups gnomAD compares: African/African-American, 0.0013%; no homozygotes.

Submissions (2):

Ambry Genetics
Classification: Uncertain significance for Inborn genetic diseases. Last evaluated: 2024-10-29. Review status: criteria provided, single submitter. Criteria: Ambry Variant Classification Scheme 2023. Collection method: clinical testing. Allele origin: germline.

Labcorp Genetics (formerly Invitae), Labcorp
Classification: Uncertain significance for Muscle AMP deaminase deficiency. Last evaluated: 2022-06-04. Review status: criteria provided, single submitter. Criteria: Invitae Variant Classification Sherloc (09022015). Collection method: clinical testing. Allele origin: germline.
Comment: This sequence change replaces threonine, which is neutral and polar, with isoleucine, which is neutral and non-polar, at codon 613 of the AMPD1 protein (p.Thr613Ile). In summary, the available evidence is currently insufficient to determine the role of this variant in disease. Therefore, it has been classified as a Variant of Uncertain Significance. Algorithms developed to predict the effect of missense changes on protein structure and function are either unavailable or do not agree on the potential impact of this missense change (SIFT: "Deleterious"; PolyPhen-2: "Benign"; Align-GVGD: "Class C15"). This variant has not been reported in the literature in individuals affected with AMPD1-related conditions. This variant is not present in population databases (gnomAD no frequency).

NM_000036.3(AMPD1):c.1739C>T (p.Thr580Ile)

Gene: AMPD1 (adenosine monophosphate deaminase 1; minus strand). Cytogenetic location: 1p13.2.
Variant type: single nucleotide variant.
Coding change: c.1739C>T on transcript NM_000036.3 (MANE Select); coding-DNA position 1739, C replaced by T.
Protein change: p.Thr580Ile; replaces threonine 580 with isoleucine.
Molecular consequence: missense variant.
Genome position (GRCh38, 1-based): chr1:114,674,813, G>A on the plus strand (C>T on the coding strand, the complement: AMPD1 is on the minus strand). VCF-style: chr1-114674813-G-A. GRCh37 (hg19) VCF-style: chr1-115217434-G-A.
Other names: c.1727C>T, p.Thr576Ile (NM_001172626.2); c.1838C>T (NM_000036.2); short protein forms T580I, T576I.
Identifiers: ClinVar variation 1898890 (VCV001898890.6), dbSNP rs773842146, ClinGen allele CA341746095.